The following is an entry in ClinVar:

ClinVar aggregate classification (germline): Uncertain significance. Review status: criteria provided, multiple submitters, no conflicts (2 of 4 stars). 5 submissions from 5 submitters: Uncertain significance (5). Last evaluated 2025-12-11.

Conditions:
Hereditary cancer-predisposing syndrome. Also called: Hereditary Cancer Syndrome; Tumor predisposition; Neoplastic Syndromes, Hereditary; Hereditary neoplastic syndrome. Identifiers: Orphanet 140162, MedGen C0027672, MeSH D009386, MONDO:0015356.
Familial cancer of breast. Also called: hereditary breast carcinoma; BREAST CANCER, FAMILIAL; Hereditary breast cancer. Identifiers: Orphanet 227535, MedGen C0346153, MONDO:0016419, OMIM 114480. Disease mechanism: loss of function.
Ataxia-telangiectasia syndrome (AT). Also called: ATAXIA-TELANGIECTASIA, COMPLEMENTATION GROUP A; ATAXIA-TELANGIECTASIA, FRESNO VARIANT; Ataxia-telangiectasia; Ataxia-telangiectasia, complementation group E; Cerebello-oculocutaneous telangiectasia; Immunodeficiency with ataxia telangiectasia. Identifiers: Orphanet 100, MedGen C0004135, MONDO:0008840, OMIM 208900.

Allele frequency attached by ClinVar (database versions not stated): gnomAD 0.00001.
gnomAD v4.1: 1 of 1,612,572 alleles (0.000062%); no homozygotes.

Submissions (5):

Women's Health and Genetics/Laboratory Corporation of America, LabCorp
Classification: Uncertain significance. Last evaluated: 2025-12-11. Review status: criteria provided, single submitter. Criteria: LabCorp Variant Classification Summary - May 2015. Collection method: clinical testing. Allele origin: germline.
Comment: Variant summary: ATM c.6374A>G (p.His2125Arg) results in a non-conservative amino acid change in the encoded protein sequence. Algorithms developed to predict the effect of missense changes on protein structure and function are either unavailable or do not agree on the potential impact of this missense change. The variant was absent in 249538 control chromosomes (gnomAD). The available data on variant occurrences in the general population are insufficient to allow any conclusion about variant significance. c.6374A>G has been observed in an individual affected with Ataxia-telangiectasia syndrome (Perez Maturo_2020). These data do not allow any conclusion about variant significance. To our knowledge, no experimental evidence demonstrating an impact on protein function has been reported. The following publication has been ascertained in the context of this evaluation (PMID: 32488064). ClinVar contains an entry for this variant (Variation ID: 181978). Based on the evidence outlined above, the variant was classified as uncertain significance.

Labcorp Genetics (formerly Invitae), Labcorp
Classification: Uncertain significance for Ataxia-telangiectasia syndrome. Last evaluated: 2024-11-04. Review status: criteria provided, single submitter. Criteria: Invitae Variant Classification Sherloc (09022015). Collection method: clinical testing. Allele origin: germline.
Comment: This sequence change replaces histidine, which is basic and polar, with arginine, which is basic and polar, at codon 2125 of the ATM protein (p.His2125Arg). This variant is not present in population databases (gnomAD no frequency). This missense change has been observed in individual(s) with ataxia-telangiectasia (PMID: 32488064). ClinVar contains an entry for this variant (Variation ID: 181978). Invitae Evidence Modeling of protein sequence and biophysical properties (such as structural, functional, and spatial information, amino acid conservation, physicochemical variation, residue mobility, and thermodynamic stability) has been performed for this missense variant. However, the output from this modeling did not meet the statistical confidence thresholds required to predict the impact of this variant on ATM protein function. In summary, the available evidence is currently insufficient to determine the role of this variant in disease. Therefore, it has been classified as a Variant of Uncertain Significance.

Baylor Genetics
Classification: Uncertain significance for Familial cancer of breast. Last evaluated: 2024-03-18. Review status: criteria provided, single submitter. Criteria: ACMG Guidelines, 2015. Collection method: clinical testing. Allele origin: unknown.

Ambry Genetics
Classification: Uncertain significance for Hereditary cancer-predisposing syndrome. Last evaluated: 2023-12-19. Review status: criteria provided, single submitter. Criteria: Ambry Variant Classification Scheme 2023. Collection method: clinical testing. Allele origin: germline.
Comment: The p.H2125R variant (also known as c.6374A>G), located in coding exon 43 of the ATM gene, results from an A to G substitution at nucleotide position 6374. The histidine at codon 2125 is replaced by arginine, an amino acid with highly similar properties. This variant has been detected in conjunction with an ATM likely pathogenic variant in an individual with clinical features of ataxia-telangiectasia (Perez Maturo J et al. J Hum Genet, 2020 Oct;65:895-902, Salinas V et al. Am J Med Genet C Semin Med Genet, 2020 Dec;184:876-884). This amino acid position is highly conserved in available vertebrate species. In addition, this alteration is predicted to be deleterious by in silico analysis. Since supporting evidence is limited at this time, the clinical significance of this alteration remains unclear.

GeneDx
Classification: Uncertain significance. Last evaluated: 2018-05-10. Review status: criteria provided, single submitter. Criteria: GeneDx Variant Classification (06012015). Collection method: clinical testing. Allele origin: germline. Affected: yes.
Comment: This variant is denoted ATM c.6374A>G at the cDNA level, p.His2125Arg (H2125R) at the protein level, and results in the change of a Histidine to an Arginine (CAT>CGT). This variant was observed at the somatic level in prostate cancer and mantle cell lymphoma tumor tissue samples (Kridel 2012, Grasso 2012, Meissner 2013). Fang et al. (2003) reported that ATM His2125Arg was likely present in the germline of a mantle cell lymphoma patient based on the presence of wild-type alleles in the tumor. ATM His2125Arg was not observed in approximately 6,500 individuals of European and African American ancestry in the NHLBI Exome Sequencing Project, indicating it is not a common benign variant in these populations. Since Histidine and Arginine share similar properties, this is considered a conservative amino acid substitution. ATM His2125Arg occurs at a position that is conserved across species and is located in the FAT domain (Tavtigian 2009). In silico analyses predict that this variant is probably damaging to protein structure and function. Based on currently available information, it is unclear whether ATM His2125Arg is pathogenic or benign. We consider it to be a variant of uncertain significance.

Literature cited by the submitters: PubMed 32488064 (cited by 3 submitters); PubMed 33084218 (cited by Ambry Genetics).

NM_000051.4(ATM):c.6374A>G (p.His2125Arg)

Genes: ATM (ATM serine/threonine kinase; plus strand), C11orf65 (chromosome 11 open reading frame 65; minus strand). Cytogenetic location: 11q22.3.
Variant type: single nucleotide variant.
Coding change: c.6374A>G on transcript NM_000051.4 (MANE Select); coding-DNA position 6374, A replaced by G.
Protein change: p.His2125Arg; replaces histidine 2125 with arginine.
Molecular consequence: missense variant. On other transcripts: intron variant (2).
Genome position (GRCh38, 1-based): chr11:108,319,980, A>G. VCF-style: chr11-108319980-A-G. GRCh37 (hg19) VCF-style: chr11-108190707-A-G.
Other names: p.H2125R:CAT>CGT; c.6374A>G, p.His2125Arg (NM_001351834.2); c.641-10909T>C (NM_001330368.2); c.*39-10909T>C (NM_001351110.2); short protein forms H2125R.
Identifiers: ClinVar variation 181978 (VCV000181978.9), dbSNP rs730881381, ClinGen allele CA298308.